The following is an entry in ClinVar:

ClinVar aggregate classification (germline): Conflicting classifications of pathogenicity. Review status: criteria provided, conflicting classifications (1 of 4 stars). 5 submissions from 5 submitters: Uncertain significance (3); Likely benign (2). Last evaluated 2026-03-27.

Conditions:
Autosomal recessive limb-girdle muscular dystrophy type 2J (LGMDR10). Also called: MUSCULAR DYSTROPHY, LIMB-GIRDLE, AUTOSOMAL RECESSIVE 10; Limb-girdle muscular dystrophy, type 2J. Identifiers: Orphanet 140922, MedGen C1837342, MONDO:0012127, OMIM 608807.
Tibial muscular dystrophy (TMD). Also called: Tibial muscular dystrophy, tardive; Udd Distal Myopathy – Tibial Muscular Dystrophy; UDD MYOPATHY. Identifiers: Orphanet 609, MedGen C1838244, MONDO:0010870, OMIM 600334.
Myopathy, myofibrillar, 9, with early respiratory failure (MFM9). Also called: Myopathy, distal, with early respiratory failure, autosomal dominant; EDSTROM MYOPATHY; MYOPATHY, PROXIMAL, WITH EARLY RESPIRATORY MUSCLE INVOLVEMENT; Hereditary myopathy with early respiratory failure. Identifiers: Orphanet 178464, Orphanet 34521, MedGen C1863599, MONDO:0011362, OMIM 603689.
Dilated cardiomyopathy 1G (CMD1G). Identifiers: Orphanet 154, MedGen C1858763, MONDO:0011400, OMIM 604145.
Early-onset myopathy with fatal cardiomyopathy (CMYO5). Also called: CONGENITAL MYOPATHY 5 WITH CARDIOMYOPATHY; Salih Myopathy. Identifiers: Orphanet 289377, MedGen C2673677, MONDO:0012714, OMIM 611705. Disease mechanism: loss of function.
Hypertrophic cardiomyopathy 9. Also called: Familial hypertrophic cardiomyopathy 9. Identifiers: MedGen C1861065, MONDO:0013412, OMIM 613765.
Cardiomyopathy (CMYO). Also called: Cardiomyopathies. Identifiers: Orphanet 167848, MedGen C0878544, MONDO:0004994, HP:0001638. Inheritance: Various modes of inheritance.

Allele frequency attached by ClinVar (database versions not stated): gnomAD exomes 0.00001; TOPMed 0.00001; ExAC 0.00002; gnomAD 0.00003; ESP Exome Variant Server 0.00008.
gnomAD v4.1: 25 of 1,613,282 alleles (0.0015%); highest among the groups gnomAD compares: Non-Finnish European, 0.002%; no homozygotes.

Submissions (5):

Molecular Diagnostic Laboratory for Inherited Cardiovascular Disease, Montreal Heart Institute
Classification: Likely benign. Last evaluated: 2026-03-27. Review status: criteria provided, single submitter. Criteria: ACMG Guidelines, 2015. Collection method: clinical testing. Allele origin: germline. Affected: no.
Comment: BP1

Revvity Omics, Revvity
Classification: Uncertain significance. Last evaluated: 2024-09-20. Review status: criteria provided, single submitter. Criteria: ACMG Guidelines, 2015. Collection method: clinical testing. Allele origin: germline.

CHEO Genetics Diagnostic Laboratory, Children's Hospital of Eastern Ontario
Classification: Likely benign for Cardiomyopathy. Last evaluated: 2023-05-16. Review status: criteria provided, single submitter. Criteria: ACMG Guidelines, 2015. Collection method: clinical testing. Allele origin: germline.

Fulgent Genetics
Classification: Uncertain significance for Tibial muscular dystrophy; Myopathy, myofibrillar, 9, with early respiratory failure; Dilated cardiomyopathy 1G; Autosomal recessive limb-girdle muscular dystrophy type 2J; Early-onset myopathy with fatal cardiomyopathy; Hypertrophic cardiomyopathy 9. Last evaluated: 2018-10-31. Review status: criteria provided, single submitter. Criteria: ACMG Guidelines, 2015. Collection method: clinical testing. Allele origin: unknown.

Laboratory for Molecular Medicine, Mass General Brigham Personalized Medicine
Classification: Uncertain significance. Last evaluated: 2013-07-25. Review status: criteria provided, single submitter. Criteria: LMM Criteria. Collection method: clinical testing. Allele origin: germline. Observed: 1 variant allele.
Comment: Computational analyses (biochemical amino acid properties, conservation, AlignGVGD, PolyPhen2, and SIFT) suggest that the Ser3228Cys varian t may impact the normal function of the TTN protein, though this information is not predictive enough to determine pathogenicity. Additional information is nee ded to fully assess the clinical significance of the Ser3228Cys variant.

NM_001267550.2(TTN):c.9683C>G (p.Ser3228Cys)

Gene: TTN (titin; minus strand). Cytogenetic location: 2q31.2.
Variant type: single nucleotide variant.
Coding change: c.9683C>G on transcript NM_001267550.2 (MANE Select); coding-DNA position 9683, C replaced by G.
Protein change: p.Ser3228Cys; replaces serine 3228 with cysteine.
Molecular consequence: missense variant.
Genome position (GRCh38, 1-based): chr2:178,766,401, G>C on the plus strand (C>G on the coding strand, the complement: TTN is on the minus strand). VCF-style: chr2-178766401-G-C. GRCh37 (hg19) VCF-style: chr2-179631128-G-C.
Other names: c.9683C>G, p.Ser3228Cys (NM_001256850.1, NM_133379.5, NM_133378.4); c.9545C>G, p.Ser3182Cys (NM_003319.4, NM_133432.3, NM_133437.4); short protein forms S3228C, S3182C.
Identifiers: ClinVar variation 178267 (VCV000178267.9), dbSNP rs371249764, ClinGen allele CA181963.
Genomic context (GRCh38, chr2:178,766,401, plus strand): 5'-GATGGATCCACAAAATATGCTGAAATCTGTCCCTACATACCATTGACATAGAGAGTGACA[G>C]AACTCCTGTTCCTTCCTGCCACAAAGGTGTATTCTCCTGCATCGCTCTGTCTGGTCTCAG-3'
Protein context (NP_001254479.2, residues 3218-3238): YTFVAGRNRS[Ser3228Cys]VTLYVNAPEP